The following is an entry in ClinVar:

NM_003477.3(PDHX):c.160+15C>G

Genes: PDHX (pyruvate dehydrogenase complex component X; plus strand), LOC130005549 (ATAC-STARR-seq lymphoblastoid active region 4608; plus strand). Cytogenetic location: 11p13.
Variant type: single nucleotide variant.
Coding change: c.160+15C>G on transcript NM_003477.3 (MANE Select); 15 bases into the intron after coding-DNA position 160, C replaced by G.
Molecular consequence: intron variant.
Genome position (GRCh38, 1-based): chr11:34,916,830, C>G. VCF-style: chr11-34916830-C-G. GRCh37 (hg19) VCF-style: chr11-34938377-C-G.
Other names: c.-21+344C>G (NM_001135024.2); c.160+15C>G (NM_001166158.2).
Identifiers: ClinVar variation 138655 (VCV000138655.13), dbSNP rs187304189, ClinGen allele CA292735.

ClinVar aggregate classification (germline): Benign/Likely benign. Review status: criteria provided, multiple submitters, no conflicts (2 of 4 stars). 5 submissions from 5 submitters: Benign (3); Likely benign (2). Last evaluated 2026-01-19.

Conditions:
Pyruvate dehydrogenase E3-binding protein deficiency (PDHXD). Also called: Lacticacidemia due to PDX1 deficiency; PYRUVATE HYDROGENASE E3-BINDING PROTEIN DEFICIENCY; LACTIC ACIDEMIA DUE TO DEFECT IN LIPOYL-CONTAINING COMPONENT X OF THE PYRUVATE DEHYDROGENASE COMPLEX; E3-Binding Protein (Component X) Deficiency. Identifiers: Orphanet 255182, MedGen C1855553, MONDO:0009503, OMIM 245349.

Allele frequency attached by ClinVar (database versions not stated): ESP Exome Variant Server 0.00412; gnomAD 0.00463 and 0.00501; 1000 Genomes Project 0.00479; TOPMed 0.00501; 1000 Genomes Project 30x 0.00547.
gnomAD v4.1: 1,269 of 1,555,976 alleles (0.082%); highest among the groups gnomAD compares: African/African-American, 1.5%; 11 homozygotes.

Submissions (5):

Labcorp Genetics (formerly Invitae), Labcorp
Classification: Benign. Last evaluated: 2026-01-19. Review status: criteria provided, single submitter. Criteria: Invitae Variant Classification Sherloc (09022015). Collection method: clinical testing. Allele origin: germline.

Blueprint Genetics
Classification: Likely benign. Last evaluated: 2024-11-14. Review status: criteria provided, single submitter. Criteria: ACMG Guidelines, 2015. Collection method: clinical testing. Allele origin: germline.

Fulgent Genetics
Classification: Likely benign for Pyruvate dehydrogenase E3-binding protein deficiency. Last evaluated: 2022-01-06. Review status: criteria provided, single submitter. Criteria: ACMG Guidelines, 2015. Collection method: clinical testing. Allele origin: unknown.

GeneDx
Classification: Benign. Last evaluated: 2013-04-30. Review status: criteria provided, single submitter. Criteria: GeneDx Variant Classification (06012015). Collection method: clinical testing. Allele origin: germline. Affected: yes.
Comment: This variant is considered likely benign or benign based on one or more of the following criteria: it is a conservative change, it occurs at a poorly conserved position in the protein, it is predicted to be benign by multiple in silico algorithms, and/or has population frequency not consistent with disease.

Breakthrough Genomics
Classification: Benign. Review status: criteria provided, single submitter. Criteria: ACMG Guidelines, 2015. Collection method: not provided. Allele origin: germline. Inheritance: Autosomal recessive inheritance. Affected: yes.